The following is an entry in ClinVar:

ClinVar aggregate classification (germline): Uncertain significance (1 of 4 stars; one submission).

gnomAD v4.1: 1 of 1,536,170 alleles (0.000065%); highest among the groups gnomAD compares: Non-Finnish European, 0.000087%; no homozygotes.

Submission:

Labcorp Genetics (formerly Invitae), Labcorp
Classification: Uncertain significance. Last evaluated: 2022-05-06. Review status: criteria provided, single submitter. Criteria: Invitae Variant Classification Sherloc (09022015). Collection method: clinical testing. Allele origin: germline.
Comment: In summary, the available evidence is currently insufficient to determine the role of this variant in disease. Therefore, it has been classified as a Variant of Uncertain Significance. Experimental studies and prediction algorithms are not available or were not evaluated, and the functional significance of this variant is currently unknown. This variant has not been reported in the literature in individuals affected with ARMC9-related conditions. This variant is not present in population databases (gnomAD no frequency). This sequence change replaces isoleucine, which is neutral and non-polar, with methionine, which is neutral and non-polar, at codon 714 of the ARMC9 protein (p.Ile714Met).

NM_001352754.2(ARMC9):c.2142C>G (p.Ile714Met)

Genes: ARMC9 (armadillo repeat containing 9; plus strand), LOC122861306 (Sharpr-MPRA regulatory region 9410; plus strand). Cytogenetic location: 2q37.1.
Variant type: single nucleotide variant.
Coding change: c.2142C>G on transcript NM_001352754.2 (MANE Select); coding-DNA position 2142, C replaced by G.
Protein change: p.Ile714Met; replaces isoleucine 714 with methionine.
Molecular consequence: missense variant.
Genome position (GRCh38, 1-based): chr2:231,360,764, C>G. VCF-style: chr2-231360764-C-G. GRCh37 (hg19) VCF-style: chr2-232225476-C-G.
Other names: c.2142C>G, p.Ile714Met (NM_001271466.4); short protein forms I714M.
Identifiers: ClinVar variation 1946830 (VCV001946830.3), dbSNP rs183333975, ClinGen allele CA350958035.
Genomic context (GRCh38, chr2:231,360,764, plus strand): 5'-AGAGGGGCTCCAGAGCAGATGTGGACTGAACTTTCTCTCCTCCTCCCCAGCAGCCATCAT[C>G]GCCAAGCCAGGAGAGTGGCTCCCAAGAGGACGCCAGGAAGAGCCTCGCCCAGCCCCCACG-3'
Protein context (NP_001339683.2, residues 704-724): ESCVSSSSAI[Ile714Met]AKPGEWLPRG